The following is an entry in ClinVar:

ClinVar aggregate classification (germline): Conflicting classifications of pathogenicity. Review status: criteria provided, conflicting classifications (1 of 4 stars). 4 submissions from 4 submitters: Uncertain significance (3); Likely benign (1). Last evaluated 2024-05-08.

Conditions:
Hereditary cancer-predisposing syndrome. Also called: Neoplastic Syndromes, Hereditary; Hereditary Cancer Syndrome; Tumor predisposition; Hereditary neoplastic syndrome. Identifiers: Orphanet 140162, MedGen C0027672, MeSH D009386, MONDO:0015356.
Hereditary breast ovarian cancer syndrome. Also called: Breast and ovarian cancer; BRCA1- and BRCA2-Associated Hereditary Breast and Ovarian Cancer; Hereditary breast and ovarian cancer syndrome; Hereditary breast and ovarian cancer syndrome (HBOC); Hereditary breast and/or ovarian cancer syndrome; Hereditary breast and ovarian cancer. Identifiers: Orphanet 145, MedGen C0677776, MeSH D061325, MONDO:0003582. Disease mechanism: loss of function.

Submissions (4):

Labcorp Genetics (formerly Invitae), Labcorp
Classification: Uncertain significance for Hereditary breast ovarian cancer syndrome. Last evaluated: 2024-05-08. Review status: criteria provided, single submitter. Criteria: Invitae Variant Classification Sherloc (09022015). Collection method: clinical testing. Allele origin: germline.
Comment: This sequence change replaces serine, which is neutral and polar, with isoleucine, which is neutral and non-polar, at codon 278 of the BRCA2 protein (p.Ser278Ile). This variant is not present in population databases (gnomAD no frequency). This variant has not been reported in the literature in individuals affected with BRCA2-related conditions. ClinVar contains an entry for this variant (Variation ID: 232349). Advanced modeling of protein sequence and biophysical properties (such as structural, functional, and spatial information, amino acid conservation, physicochemical variation, residue mobility, and thermodynamic stability) performed at Invitae indicates that this missense variant is not expected to disrupt BRCA2 protein function with a negative predictive value of 95%. In summary, the available evidence is currently insufficient to determine the role of this variant in disease. Therefore, it has been classified as a Variant of Uncertain Significance.

Blueprint Genetics
Classification: Uncertain significance. Last evaluated: 2024-03-14. Review status: criteria provided, single submitter. Criteria: ACMG Guidelines, 2015. Collection method: clinical testing. Allele origin: germline.

University of Washington Department of Laboratory Medicine, University of Washington
Classification: Likely benign for Hereditary cancer-predisposing syndrome. Last evaluated: 2023-03-23. Review status: criteria provided, single submitter. Criteria: Dines et al. (Genet Med. 2020). Collection method: curation. Allele origin: germline.
Comment: Missense variant in a coldspot region where missense variants are very unlikely to be pathogenic (PMID:31911673).

BRCA2 exon 10 coldspot. Reclassification based on statistical prior probability.

Ambry Genetics
Classification: Uncertain significance for Hereditary cancer-predisposing syndrome. Last evaluated: 2015-06-11. Review status: criteria provided, single submitter. Criteria: Ambry Variant Classification Scheme 2023. Collection method: clinical testing. Allele origin: germline.
Comment: The p.S278I variant (also known as c.833G>T and 1061G>T), located in coding exon 9 of the BRCA2 gene, results from a G to T substitution at nucleotide position 833. The serine at codon 278 is replaced by isoleucine, an amino acid with dissimilar properties. This variant was not reported in population based cohorts in the following databases: Database of Single Nucleotide Polymorphisms (dbSNP), NHLBI Exome Sequencing Project (ESP), and 1000 Genomes Project. In the ESP, this variant was not observed in 6497 samples (12994 alleles) with coverage at this position. To date, this alteration has been detected with an allele frequency of approximately 0.001% (greater than 150000 alleles tested) in our clinical cohort. This amino acid position is not well conserved in available vertebrate species. In addition, this alteration is predicted to be tolerated by in silico analysis. Since supporting evidence is limited at this time, the clinical significance of p.S278I remains unclear.

NM_000059.4(BRCA2):c.833G>T (p.Ser278Ile)

Gene: BRCA2 (BRCA2 DNA repair associated; plus strand). Cytogenetic location: 13q13.1.
Variant type: single nucleotide variant.
Coding change: c.833G>T on transcript NM_000059.4 (MANE Select); coding-DNA position 833, G replaced by T.
Protein change: p.Ser278Ile; replaces serine 278 with isoleucine.
Molecular consequence: missense variant.
Genome position (GRCh38, 1-based): chr13:32,332,311, G>T. VCF-style: chr13-32332311-G-T. GRCh37 (hg19) VCF-style: chr13-32906448-G-T.
Other names: short protein forms S278I.
Identifiers: ClinVar variation 232349 (VCV000232349.10), dbSNP rs876659712, ClinGen allele CA10579474.
Genomic context (GRCh38, chr13:32,332,311, plus strand): 5'-TTCTGTTTTATACTTTAACAGGATTTGGAAAAACATCAGGGAATTCATTTAAAGTAAATA[G>T]CTGCAAAGACCACATTGGAAAGTCAATGCCAAATGTCCTAGAAGATGAAGTATATGAAAC-3'
Protein context (NP_000050.3, residues 268-288): KTSGNSFKVN[Ser278Ile]CKDHIGKSMP